The following is an entry in ClinVar:

ClinVar aggregate classification (germline): Uncertain significance (1 of 4 stars; one submission).

Allele frequency attached by ClinVar (database versions not stated): TOPMed 0.00001; gnomAD exomes 0.00001.

Submission:

Labcorp Genetics (formerly Invitae), Labcorp
Classification: Uncertain significance. Last evaluated: 2022-08-15. Review status: criteria provided, single submitter. Criteria: Invitae Variant Classification Sherloc (09022015). Collection method: clinical testing. Allele origin: germline.
Comment: In summary, the available evidence is currently insufficient to determine the role of this variant in disease. Therefore, it has been classified as a Variant of Uncertain Significance. Advanced modeling of protein sequence and biophysical properties (such as structural, functional, and spatial information, amino acid conservation, physicochemical variation, residue mobility, and thermodynamic stability) performed at Invitae indicates that this missense variant is not expected to disrupt SLC26A5 protein function. ClinVar contains an entry for this variant (Variation ID: 1504897). This variant has not been reported in the literature in individuals affected with SLC26A5-related conditions. This variant is present in population databases (no rsID available, gnomAD 0.01%). This sequence change replaces threonine, which is neutral and polar, with alanine, which is neutral and non-polar, at codon 647 of the SLC26A5 protein (p.Thr647Ala).

NM_198999.3(SLC26A5):c.1939A>G (p.Thr647Ala)

Gene: SLC26A5 (solute carrier family 26 member 5; minus strand). Cytogenetic location: 7q22.1.
Variant type: single nucleotide variant.
Coding change: c.1939A>G on transcript NM_198999.3 (MANE Select); coding-DNA position 1939, A replaced by G.
Protein change: p.Thr647Ala; replaces threonine 647 with alanine.
Molecular consequence: missense variant. On other transcripts: non-coding transcript variant (5), intron variant (2).
Genome position (GRCh38, 1-based): chr7:103,377,646, T>C on the plus strand (A>G on the coding strand, the complement: SLC26A5 is on the minus strand). VCF-style: chr7-103377646-T-C. GRCh37 (hg19) VCF-style: chr7-103018093-T-C.
Other names: c.1843A>G, p.Thr615Ala (NM_001167962.2, NM_001321787.2); c.1939A>G, p.Thr647Ala (NM_206883.3); c.971+20286A>G (NM_206885.3); c.1514+11362A>G (NM_206884.3); short protein forms T647A, T615A.
Identifiers: ClinVar variation 1504897 (VCV001504897.8), dbSNP rs532695997, ClinGen allele CA368751263.